The following is an entry in ClinVar:

NM_001013703.4(EIF2AK4):c.2394A>G (p.Leu798=)

Gene: EIF2AK4 (eukaryotic translation initiation factor 2 alpha kinase 4; plus strand). Cytogenetic location: 15q15.1.
Variant type: single nucleotide variant.
Coding change: c.2394A>G on transcript NM_001013703.4 (MANE Select); coding-DNA position 2394, A replaced by G.
Protein change: p.Leu798=; no amino-acid change (leucine 798 retained).
Molecular consequence: synonymous variant.
Genome position (GRCh38, 1-based): chr15:39,985,879, A>G. VCF-style: chr15-39985879-A-G. GRCh37 (hg19) VCF-style: chr15-40278080-A-G.
Other names: c.2394A>G (NM_001013703.3).
Identifiers: ClinVar variation 1330954 (VCV001330954.13), dbSNP rs186026165, ClinGen allele CA7474028.

ClinVar aggregate classification (germline): Benign/Likely benign. Review status: criteria provided, multiple submitters, no conflicts (2 of 4 stars). 3 submissions from 3 submitters: Benign (1); Likely benign (1). 1 of the submissions does not count toward it. Last evaluated 2025-11-21.

Conditions:
EIF2AK4-related disorder. Also called: EIF2AK4-related condition.
Familial pulmonary capillary hemangiomatosis (PVOD2). Also called: Pulmonary venoocclusive disease 2, autosomal recessive; Pulmonary venoocclusive disease 2. Identifiers: Orphanet 199241, MedGen C0340848, MONDO:0009329, OMIM 234810.

Allele frequency attached by ClinVar (database versions not stated): gnomAD exomes 0.00015 and 0.00031; ExAC 0.00044; ESP Exome Variant Server 0.00121; gnomAD 0.00126 and 0.00134; TOPMed 0.00153; 1000 Genomes Project 0.00160; 1000 Genomes Project 30x 0.00219.
gnomAD v4.1: 419 of 1,613,892 alleles (0.026%); highest among the groups gnomAD compares: African/African-American, 0.46%; no homozygotes.

Submissions (3):

Labcorp Genetics (formerly Invitae), Labcorp
Classification: Benign. Last evaluated: 2025-11-21. Review status: criteria provided, single submitter. Criteria: Invitae Variant Classification Sherloc (09022015). Collection method: clinical testing. Allele origin: germline.

ARUP Laboratories, Molecular Genetics and Genomics, ARUP Laboratories
Classification: Likely benign for Familial pulmonary capillary hemangiomatosis. Last evaluated: 2021-03-02. Review status: criteria provided, single submitter. Criteria: ARUP Molecular Germline Variant Investigation Process 2021. Collection method: clinical testing. Allele origin: germline.

PreventionGenetics, part of Exact Sciences
Classification: Likely benign for EIF2AK4-related condition. Last evaluated: 2019-08-01. Review status: no assertion criteria provided. Collection method: clinical testing. Allele origin: germline. Not counted in ClinVar's aggregate classification.
Comment: This variant is classified as likely benign based on ACMG/AMP sequence variant interpretation guidelines (Richards et al. 2015 PMID: 25741868, with internal and published modifications).